The following is an entry in ClinVar:

ClinVar aggregate classification (germline): Pathogenic/Likely pathogenic. Review status: criteria provided, multiple submitters, no conflicts (2 of 4 stars). 6 submissions from 5 submitters: Pathogenic (3); Likely pathogenic (1). 2 of the submissions do not count toward it. Last evaluated 2026-04-15.

Conditions:
ARL6-related disorder. Also called: ARL6-related condition.
Retinitis pigmentosa 55 (RP55). Identifiers: Orphanet 791, MedGen C3150808, MONDO:0013312, OMIM 613575.
Bardet-Biedl syndrome 3 (BBS3). Identifiers: Orphanet 110, MedGen C1859564, MONDO:0010832, OMIM 600151.
Bardet-Biedl syndrome 1 (BBS1). Identifiers: MedGen C2936862, MONDO:0008854, OMIM 209900. Disease mechanism: loss of function.
Bardet-Biedl syndrome 1, modifier of. Identifiers: MedGen C2675305.

Allele frequency attached by ClinVar (database versions not stated): gnomAD exomes below 0.00001 and 0.00001; gnomAD 0.00001; TOPMed 0.00001.
gnomAD v4.1: 19 of 1,613,646 alleles (0.0012%); highest among the groups gnomAD compares: Non-Finnish European, 0.0015%; no homozygotes.

Submissions (6):

PreventionGenetics, part of Exact Sciences
Classification: Pathogenic for ARL6-related condition. Last evaluated: 2026-04-15. Review status: criteria provided, single submitter. Criteria: ACMG Guidelines, 2015. Collection method: clinical testing. Allele origin: germline.
Comment: The ARL6 c.506G>C variant is predicted to result in the amino acid substitution p.Gly169Ala. This variant, reported as 859C (p.Gly169Ala), was found in the homozygous state in 5 family members with Bardet-Biedl syndrome (Fan et al. 2004. PubMed ID: 15314642). The functional study showed that this Gly169Ala protein is destabilized in culture cells (Kobayashi et al. 2009. PubMed ID: 19236846). This variant is reported in 0.00088% of alleles in individuals of European (Non-Finnish) descent in gnomAD. This variant is interpreted as pathogenic.

Labcorp Genetics (formerly Invitae), Labcorp
Classification: Pathogenic for Retinitis pigmentosa 55; Bardet-Biedl syndrome 3. Last evaluated: 2025-05-05. Review status: criteria provided, single submitter. Criteria: Invitae Variant Classification Sherloc (09022015). Collection method: clinical testing. Allele origin: germline.
Comment: This sequence change replaces glycine, which is neutral and non-polar, with alanine, which is neutral and non-polar, at codon 169 of the ARL6 protein (p.Gly169Ala). This variant is present in population databases (rs104893679, gnomAD 0.0009%). This missense change has been observed in individual(s) with Bardet-Biedl syndrome (PMID: 15314642). It has also been observed to segregate with disease in related individuals. This variant is also known as 859G>C G169A. ClinVar contains an entry for this variant (Variation ID: 2041). An algorithm developed to predict the effect of missense changes on protein structure and function (PolyPhen-2) suggests that this variant is likely to be disruptive. Experimental studies have shown that this missense change affects ARL6 function (PMID: 19236846). For these reasons, this variant has been classified as Pathogenic.

Fulgent Genetics
Classification: Likely pathogenic for Bardet-Biedl syndrome 1; Bardet-Biedl syndrome 3; Retinitis pigmentosa 55. Last evaluated: 2024-04-11. Review status: criteria provided, single submitter. Criteria: ACMG Guidelines, 2015. Collection method: clinical testing. Allele origin: germline.

Blueprint Genetics
Classification: Pathogenic for ARL6-related disorders. Last evaluated: 2021-09-24. Review status: criteria provided, single submitter. Criteria: ACMG Guidelines, 2015. Collection method: clinical testing. Allele origin: germline. Affected: yes. Observed: 1 variant allele.

OMIM
Classification: Pathogenic for BARDET-BIEDL SYNDROME 3. Last evaluated: 2004-09-01. Review status: no assertion criteria provided. Collection method: literature only. Allele origin: germline. Not counted in ClinVar's aggregate classification.

OMIM
Classification: risk factor for BARDET-BIEDL SYNDROME 1, MODIFIER OF. Last evaluated: 2004-09-01. Review status: no assertion criteria provided. Collection method: literature only. Allele origin: germline. Not counted in ClinVar's aggregate classification.

Literature cited by the submitters: PubMed 15314642 (cited by Labcorp Genetics (formerly Invitae), Labcorp); PubMed 19236846 (cited by Labcorp Genetics (formerly Invitae), Labcorp); Young, T.-L., Woods, M. O., Parfrey, P. S., Green, J. S., O'Leary, E., Hefferton, D., Davidson, W. S. Canadian Bardet-Biedl syndrome family reduces the critical region of BBS3 (3p) and presents with a variable phenotype. Am. J. Med. Genet. 78: 461-467, 1998. (cited by OMIM); Fan, Y., Esmail, M. A., Ansley, S. J., Blacque, O. E., Boroevich, K., Ross, A. J., Moore, S. J., Badano, J. L., May-Simera, H., Compton, D. S., Green, J. S., Lewis, R. A., van Haelst, M. M., Parfrey, P. S., Baillie, D. L., Beales, P. L., Katsanis, N., Davidson, W. S., Leroux, M. R. Mutations in a member of the Ras superfamily of small GTP-binding proteins causes Bardet-Biedl syndrome. Nature Genet. 36: 989-993, 2004. (cited by OMIM).

NM_001278293.3(ARL6):c.506G>C (p.Gly169Ala)

Gene: ARL6 (ARF like GTPase 6; plus strand). Cytogenetic location: 3q11.2.
Variant type: single nucleotide variant.
Coding change: c.506G>C on transcript NM_001278293.3 (MANE Select); coding-DNA position 506, G replaced by C.
Protein change: p.Gly169Ala; replaces glycine 169 with alanine.
Molecular consequence: missense variant. On other transcripts: non-coding transcript variant (6), intron variant (1).
Genome position (GRCh38, 1-based): chr3:97,791,797, G>C. VCF-style: chr3-97791797-G-C. GRCh37 (hg19) VCF-style: chr3-97510641-G-C.
Other names: c.506G>C, p.Gly169Ala (NM_032146.5, NM_177976.3, NM_001323513.2); c.479+3678G>C (NM_001323514.2); short protein forms G169A.
Identifiers: ClinVar variation 2041 (VCV000002041.10), dbSNP rs104893679, ClinGen allele CA115313.